The following is an entry in ClinVar:

ClinVar aggregate classification (germline): Pathogenic (1 of 4 stars; one submission).

Conditions:
Immunodeficiency 104. Also called: Severe Combined Immune Deficiency, Autosomal Recessive, TCell -Negative, B Cell-Positive, NK Cell-Positive, IL7R-Related; Severe combined immunodeficiency, autosomal recessive, T cell-negative, B cell-positive, NK cell-positive; SCID, AUTOSOMAL RECESSIVE, T CELL-NEGATIVE, B CELL-POSITIVE, NK CELL-POSITIVE; IMMUNODEFICIENCY 104, SEVERE COMBINED. Identifiers: MedGen C5676890, MONDO:0012163, OMIM 608971.

Submission:

Labcorp Genetics (formerly Invitae), Labcorp
Classification: Pathogenic for Immunodeficiency 104. Last evaluated: 2023-11-15. Review status: criteria provided, single submitter. Criteria: Invitae Variant Classification Sherloc (09022015). Collection method: clinical testing. Allele origin: germline.
Comment: This sequence change creates a premature translational stop signal (p.Gln1081Alafs*7) in the PTPRC gene. It is expected to result in an absent or disrupted protein product. Loss-of-function variants in PTPRC are known to be pathogenic (PMID: 10700239). This variant is not present in population databases (gnomAD no frequency). This variant has not been reported in the literature in individuals affected with PTPRC-related conditions. For these reasons, this variant has been classified as Pathogenic.

Literature cited by the submitters: PubMed 10700239.

NM_002838.5(PTPRC):c.3236dup (p.Gln1081fs)

Gene: PTPRC (protein tyrosine phosphatase receptor type C; plus strand). Cytogenetic location: 1q32.1.
Variant type: Duplication.
Coding change: c.3236dup on transcript NM_002838.5 (MANE Select); coding-DNA position 3236, one base duplicated (G; older notation c.3236dupG).
Protein change: p.Gln1081fs; shifts the reading frame from glutamine 1081.
Molecular consequence: frameshift variant.
Genome position (GRCh38, 1-based): chr1:198,752,277, G duplicated; the last of 2 consecutive G bases (chr1:198,752,276-198,752,277); duplicating either gives the same sequence. VCF-style (leftmost placement, unchanged base first): chr1-198752275-A-AG. GRCh37 (hg19) VCF-style: chr1-198721404-A-AG.
Other names: c.2753dup, p.Gln920fs (NM_080921.4); short protein forms Q1081fs, Q920fs.
Identifiers: ClinVar variation 2696181 (VCV002696181.3), dbSNP rs2528046063, ClinGen allele CA2697554842.